The following is an entry in ClinVar:

ClinVar aggregate classification (germline): Likely benign. Review status: criteria provided, multiple submitters, no conflicts (2 of 4 stars). 2 submissions from 2 submitters: Likely benign (2). Last evaluated 2026-01-28.

Conditions:
Multiple gastrointestinal atresias. Also called: Multiple intestinal atresia; FAMILIAL INTESTINAL POLYATRESIA SYNDROME. Identifiers: Orphanet 2300, MedGen C0220744, MONDO:0009465.

Allele frequency attached by ClinVar (database versions not stated): gnomAD 0.00001; TOPMed 0.00001; ExAC 0.00003; gnomAD exomes 0.00003 and 0.00004.
gnomAD v4.1: 45 of 1,614,022 alleles (0.0028%); highest among the groups gnomAD compares: South Asian, 0.0088%; no homozygotes.

Submissions (2):

Labcorp Genetics (formerly Invitae), Labcorp
Classification: Likely benign for Multiple gastrointestinal atresias. Last evaluated: 2026-01-28. Review status: criteria provided, single submitter. Criteria: Invitae Variant Classification Sherloc (09022015). Collection method: clinical testing. Allele origin: germline.

CeGaT Center for Human Genetics Tuebingen
Classification: Likely benign. Last evaluated: 2022-09-01. Review status: criteria provided, single submitter. Criteria: CeGaT Center For Human Genetics Tuebingen Variant Classification Criteria Version 2. Collection method: clinical testing. Allele origin: germline. Affected: yes. Observed: 1 variant allele.
Comment: TTC7A: BP4, BP7

NM_020458.4(TTC7A):c.396C>T (p.Tyr132=)

Gene: TTC7A (tetratricopeptide repeat domain 7A; plus strand). Cytogenetic location: 2p21.
Variant type: single nucleotide variant.
Coding change: c.396C>T on transcript NM_020458.4 (MANE Select); coding-DNA position 396, C replaced by T.
Protein change: p.Tyr132=; no amino-acid change (tyrosine 132 retained).
Molecular consequence: synonymous variant. On other transcripts: 5 prime UTR variant (1).
Genome position (GRCh38, 1-based): chr2:46,956,886, C>T. VCF-style: chr2-46956886-C-T. GRCh37 (hg19) VCF-style: chr2-47184025-C-T.
Other names: c.396C>T, p.Tyr132= (NM_001288951.2); c.294C>T, p.Tyr98= (NM_001288953.2); c.-509C>T (NM_001288955.2).
Identifiers: ClinVar variation 1615937 (VCV001615937.32), dbSNP rs780299149, ClinGen allele CA1647142.
Genomic context (GRCh38, chr2:46,956,886, plus strand): 5'-CTTGTCATTTCAGCCACAGTACATGTGTGAGGCCATGCTGATCCTGGGCAAACTGCATTA[C>T]GTGGAGGGCTCATACCGAGATGCCATCAGCATGTACGCACGGGCCGGGATTGATGACATG-3'
Protein context (NP_065191.2, residues 122-142): EAMLILGKLH[Tyr132=]VEGSYRDAIS